The following is an entry in ClinVar:

ClinVar aggregate classification (germline): Uncertain significance. Review status: criteria provided, multiple submitters, no conflicts (2 of 4 stars). 2 submissions from 2 submitters: Uncertain significance (2). Last evaluated 2025-08-24.

Conditions:
Cardiovascular phenotype. Identifiers: MedGen CN230736.
Wolman disease (WOLD). Also called: Acid cholesteryl ester hydrolase deficiency, Wolman type; Acid lipase disease; LYSOSOMAL ACID LIPASE DEFICIENCY, ACUTE INFANTILE; LYSOSOMAL ACID LIPASE DEFICIENCY, COMPLETE; LIPA DEFICIENCY, COMPLETE; LAL DEFICIENCY, COMPLETE. Identifiers: Orphanet 75233, MedGen C0043208, MONDO:0019148, OMIM 620151.

Allele frequency attached by ClinVar (database versions not stated): gnomAD exomes below 0.00001; TOPMed 0.00001.
gnomAD v4.1: 1 of 1,614,098 alleles (0.000062%); highest among the groups gnomAD compares: Non-Finnish European, 0.000085%; no homozygotes.

Submissions (2):

Ambry Genetics
Classification: Uncertain significance for Cardiovascular phenotype. Last evaluated: 2025-08-24. Review status: criteria provided, single submitter. Criteria: Ambry Variant Classification Scheme 2023. Collection method: clinical testing. Allele origin: germline.
Comment: The p.T131K variant (also known as c.392C>A), located in coding exon 3 of the LIPA gene, results from a C to A substitution at nucleotide position 392. The threonine at codon 131 is replaced by lysine, an amino acid with similar properties. This amino acid position is conserved. In addition, this alteration is predicted to be tolerated by in silico analysis. Based on the available evidence, the clinical significance of this variant remains unclear.

Labcorp Genetics (formerly Invitae), Labcorp
Classification: Uncertain significance for Wolman disease. Last evaluated: 2022-05-21. Review status: criteria provided, single submitter. Criteria: Invitae Variant Classification Sherloc (09022015). Collection method: clinical testing. Allele origin: germline.
Comment: This variant has not been reported in the literature in individuals affected with LIPA-related conditions. In summary, the available evidence is currently insufficient to determine the role of this variant in disease. Therefore, it has been classified as a Variant of Uncertain Significance. Algorithms developed to predict the effect of missense changes on protein structure and function are either unavailable or do not agree on the potential impact of this missense change (SIFT: "Tolerated"; PolyPhen-2: "Possibly Damaging"; Align-GVGD: "Class C0"). This variant is not present in population databases (gnomAD no frequency). This sequence change replaces threonine, which is neutral and polar, with lysine, which is basic and polar, at codon 131 of the LIPA protein (p.Thr131Lys).

NM_000235.4(LIPA):c.392C>A (p.Thr131Lys)

Gene: LIPA (lipase A, lysosomal acid type; minus strand). Cytogenetic location: 10q23.31.
Variant type: single nucleotide variant.
Coding change: c.392C>A on transcript NM_000235.4 (MANE Select); coding-DNA position 392, C replaced by A.
Protein change: p.Thr131Lys; replaces threonine 131 with lysine.
Molecular consequence: missense variant.
Genome position (GRCh38, 1-based): chr10:89,228,236, G>T on the plus strand (C>A on the coding strand, the complement: LIPA is on the minus strand). VCF-style: chr10-89228236-G-T. GRCh37 (hg19) VCF-style: chr10-90987993-G-T.
Other names: c.392C>A, p.Thr131Lys (NM_001127605.3); c.44C>A, p.Thr15Lys (NM_001288979.2); c.392C>A (NM_000235.2); short protein forms T131K, T15K.
Identifiers: ClinVar variation 2143203 (VCV002143203.4), dbSNP rs1244084255, ClinGen allele CA377517803.